The following is an entry in ClinVar:

NM_000287.4(PEX6):c.275_280del (p.Val92_Arg93del)

Gene: PEX6 (peroxisomal biogenesis factor 6; minus strand). Cytogenetic location: 6p21.1.
Variant type: Deletion.
Coding change: c.275_280del on transcript NM_000287.4 (MANE Select); coding-DNA positions 275 to 280, 6 bases deleted (TGCGGG; older notation c.275_280delTGCGGG).
Protein change: p.Val92_Arg93del.
Molecular consequence: non-coding transcript variant (on NR_133009.2).
Genome position (GRCh38, 1-based): chr6:42,978,871-42,978,876, CCCGCA deleted on the plus strand (TGCGGG on the coding strand, the reverse complement: PEX6 is on the minus strand); deleting any 6 consecutive bases within chr6:42,978,871-42,978,879 gives the same sequence; the c. name uses the placement nearest the transcript's 3' end. VCF-style (leftmost placement, unchanged base first): chr6-42978870-GCCCGCA-G. GRCh37 (hg19) VCF-style: chr6-42946608-GCCCGCA-G.
Other names: c.275_280delTGCGGG (NM_000287.3); c.275_280del, p.Val92_Arg93del (NM_001316313.2).
Identifiers: ClinVar variation 3593618 (VCV003593618.2).

ClinVar aggregate classification (germline): Likely pathogenic. Review status: criteria provided, multiple submitters, no conflicts (2 of 4 stars). 2 submissions from 2 submitters: Likely pathogenic (2). Last evaluated 2024-05-16.

Conditions:
Zellweger spectrum disorders (ZS). Also called: Zellweger syndrome; Zellweger Spectrum Disorder (ZSD); Zellweger Spectrum Disorder; Zellweger Spectrum. Identifiers: Orphanet 912, MedGen C0043459, MONDO:0019609.
Peroxisome biogenesis disorder 4B (PBD4B). Also called: SPINOCEREBELLAR ATAXIA WITH BLINDNESS AND DEAFNESS 1. Identifiers: Orphanet 44, Orphanet 95433, MedGen C3553937, MONDO:0013931, OMIM 614863.
Peroxisome biogenesis disorder 4A (Zellweger) (PBD4A). Also called: Zellweger syndrome spectrum (PEX6-related). Identifiers: Orphanet 912, MedGen C3553936, MONDO:0013930, OMIM 614862. Disease mechanism: loss of function.
Heimler syndrome 2 (HMLR2). Also called: PEROXISOME BIOGENESIS DISORDER 4C. Identifiers: Orphanet 3220, MedGen C4225267, OMIM 616617, MONDO:0014709.

Submissions (2):

Natera, Inc.
Classification: Likely pathogenic for Zellweger syndrome. Last evaluated: 2024-05-16. Review status: criteria provided, single submitter. Criteria: Natera Variant Classification Schema (03/2026). Collection method: clinical testing. Allele origin: germline.
Comment: The c.275_280delTGCGGG variant in PEX6 is an in-frame deletion. This variant is rare in the general population with a frequency below the threshold expected for the associated phenotype(s). This variant has been observed in one or more individuals affected with the associated recessive disease, as either homozygous or compound heterozygous with a second variant (PMID: 10408779). This variant results in a change to the protein length while preserving reading frame, which may disrupt normal protein structure or function. Given the available evidence, this variant is classified as Likely Pathogenic.

Fulgent Genetics
Classification: Likely pathogenic for Peroxisome biogenesis disorder 4A (Zellweger); Peroxisome biogenesis disorder 4B; Heimler syndrome 2. Last evaluated: 2024-02-14. Review status: criteria provided, single submitter. Criteria: ACMG Guidelines, 2015. Collection method: clinical testing. Allele origin: germline.

Literature cited by the submitters: PubMed 10408779 (cited by Natera, Inc.).